The following is an entry in ClinVar:

ClinVar aggregate classification (somatic clinical impact): Tier I - Strong (1 of 4 stars; one submission).

Conditions:
Hemimegalencephaly. Also called: Unilateral Megalencephaly. Identifiers: Orphanet 99802, MedGen C0431391, MONDO:0020492, HP:0007206.

Submission:

Institute for Genomic Medicine (IGM) Clinical Laboratory, Nationwide Children's Hospital
Classification: Tier I - Strong for Hemimegalencephaly. Assertion type: diagnostic. Clinical significance: supports diagnosis. Last evaluated: 2025-10-20. Review status: criteria provided, single submitter. Criteria: AMP/ASCO/CAP Guidelines, 2017. Collection method: clinical testing. Allele origin: somatic. Affected: yes.
Comment: Variant has Tier I (strong) clinical significance as a diagnostic inclusion criterion in hemimegalencephaly, based on the following evidence: 1) Documented in one or more cancer databases (e.g., St. Jude Pecan, COSMIC, CIViC, OncoKB). 2) Diagnostic for a specific tumor type/classification based on well-powered studies with expert-level consensus (Evidence Level B; PMIDs: 23449172, 25599672, 33833411, 32140648, 31441589, 37149062).

Literature cited by the submitters: PubMed 23449172; PubMed 25599672; PubMed 33833411; PubMed 32140648; PubMed 31441589; PubMed 37149062.

NM_004958.4(MTOR):c.6016G>T (p.Val2006Phe)

Gene: MTOR (mechanistic target of rapamycin kinase; minus strand). Cytogenetic location: 1p36.22.
Variant type: single nucleotide variant.
Coding change: c.6016G>T on transcript NM_004958.4 (MANE Select); coding-DNA position 6016, G replaced by T.
Protein change: p.Val2006Phe; replaces valine 2006 with phenylalanine.
Molecular consequence: missense variant.
Genome position (GRCh38, 1-based): chr1:11,128,021, C>A on the plus strand (G>T on the coding strand, the complement: MTOR is on the minus strand). VCF-style: chr1-11128021-C-A. GRCh37 (hg19) VCF-style: chr1-11188078-C-A.
Other names: c.6016G>T, p.Val2006Phe (NM_001386500.1); c.4768G>T, p.Val1590Phe (NM_001386501.1); short protein forms V1590F, V2006F.
Identifiers: ClinVar variation 4530451 (VCV004530451.1).